The following is an entry in ClinVar:

ClinVar aggregate classification (germline): Uncertain significance (1 of 4 stars; one submission).

Conditions:
Progressive myoclonic epilepsy type 9. Identifiers: Orphanet 457265, MedGen C4225289, MONDO:0014685, OMIM 616540.
Lipodystrophy, partial, acquired, susceptibility to (APLD). Also called: APLD, SUSCEPTIBILITY TO. Identifiers: MedGen C3887501, MONDO:0100476, OMIM 608709.

gnomAD v4.1: 14 of 1,612,964 alleles (0.00087%); highest among the groups gnomAD compares: East Asian, 0.0067%; no homozygotes.

Submission:

Labcorp Genetics (formerly Invitae), Labcorp
Classification: Uncertain significance for Progressive myoclonic epilepsy type 9; Lipodystrophy, partial, acquired, susceptibility to. Last evaluated: 2024-11-26. Review status: criteria provided, single submitter. Criteria: Invitae Variant Classification Sherloc (09022015). Collection method: clinical testing. Allele origin: germline.
Comment: This sequence change falls in intron 8 of the LMNB2 gene. It does not directly change the encoded amino acid sequence of the LMNB2 protein. It affects a nucleotide within the consensus splice site. This variant is present in population databases (no rsID available, gnomAD 0.01%). This variant has not been reported in the literature in individuals affected with LMNB2-related conditions. Variants that disrupt the consensus splice site are a relatively common cause of aberrant splicing (PMID: 17576681, 9536098). Algorithms developed to predict the effect of sequence changes on RNA splicing suggest that this variant is not likely to affect RNA splicing. In summary, the available evidence is currently insufficient to determine the role of this variant in disease. Therefore, it has been classified as a Variant of Uncertain Significance.

Literature cited by the submitters: PubMed 17576681; PubMed 9536098.

NM_032737.4(LMNB2):c.1482+6C>T

Gene: LMNB2 (lamin B2; minus strand). Cytogenetic location: 19p13.3.
Variant type: single nucleotide variant.
Coding change: c.1482+6C>T on transcript NM_032737.4 (MANE Select); 6 bases into the intron after coding-DNA position 1482, C replaced by T.
Molecular consequence: intron variant.
Genome position (GRCh38, 1-based): chr19:2,433,820, G>A on the plus strand (C>T on the coding strand, the complement: LMNB2 is on the minus strand). VCF-style: chr19-2433820-G-A. GRCh37 (hg19) VCF-style: chr19-2433818-G-A.
Identifiers: ClinVar variation 3753000 (VCV003753000.2).